The following is an entry in ClinVar:

ClinVar aggregate classification (germline): Benign (0 of 4 stars; one submission).

Conditions:
ZFHX3-related disorder. Also called: ZFHX3-related condition.

Allele frequency attached by ClinVar (database versions not stated): gnomAD 0.01095; TOPMed 0.01145; ESP Exome Variant Server 0.01277; gnomAD exomes 0.01555; 1000 Genomes Project 0.00379; 1000 Genomes Project 30x 0.00390; ExAC 0.01079.
gnomAD v4.1: 24,317 of 1,614,058 alleles (1.5%); highest among the groups gnomAD compares: Non-Finnish European, 1.8%; 226 homozygotes.

Submissions (26):

PreventionGenetics, part of Exact Sciences
Classification: Benign for ZFHX3-related condition. Last evaluated: 2019-06-26. Review status: no assertion criteria provided. Collection method: clinical testing. Allele origin: germline.
Comment: This variant is classified as benign based on ACMG/AMP sequence variant interpretation guidelines (Richards et al. 2015 PMID: 25741868, with internal and published modifications).

Dr. Peter K. Rogan Lab, Western University
No classification provided (evidence only). Condition: Colon adenocarcinoma. Review status: no classification provided. Collection method: in vitro. Allele origin: not applicable. Functional consequence: retained intron. Not counted in ClinVar's aggregate classification.

Dr. Peter K. Rogan Lab, Western University
No classification provided (evidence only). Condition: Colon adenocarcinoma. Review status: no classification provided. Collection method: in vitro. Allele origin: not applicable. Functional consequence: retained intron. Not counted in ClinVar's aggregate classification.

Dr. Peter K. Rogan Lab, Western University
No classification provided (evidence only). Condition: Thyroid cancer, nonmedullary, 1. Review status: no classification provided. Collection method: in vitro. Allele origin: not applicable. Functional consequence: retained intron. Not counted in ClinVar's aggregate classification.

Dr. Peter K. Rogan Lab, Western University
No classification provided (evidence only). Condition: Uterine corpus endometrial carcinoma. Review status: no classification provided. Collection method: in vitro. Allele origin: not applicable. Functional consequence: retained intron. Not counted in ClinVar's aggregate classification.

Dr. Peter K. Rogan Lab, Western University
No classification provided (evidence only). Condition: Cervical cancer. Review status: no classification provided. Collection method: in vitro. Allele origin: not applicable. Functional consequence: retained intron. Not counted in ClinVar's aggregate classification.

Dr. Peter K. Rogan Lab, Western University
No classification provided (evidence only). Condition: Cervical cancer. Review status: no classification provided. Collection method: in vitro. Allele origin: not applicable. Functional consequence: retained intron. Not counted in ClinVar's aggregate classification.

Dr. Peter K. Rogan Lab, Western University
No classification provided (evidence only). Condition: Cervical cancer. Review status: no classification provided. Collection method: in vitro. Allele origin: not applicable. Functional consequence: retained intron. Not counted in ClinVar's aggregate classification.

Dr. Peter K. Rogan Lab, Western University
No classification provided (evidence only). Condition: Cervical cancer. Review status: no classification provided. Collection method: in vitro. Allele origin: not applicable. Functional consequence: skipped exon. Not counted in ClinVar's aggregate classification.

Dr. Peter K. Rogan Lab, Western University
No classification provided (evidence only). Condition: Sarcoma. Review status: no classification provided. Collection method: in vitro. Allele origin: not applicable. Functional consequence: retained intron. Not counted in ClinVar's aggregate classification.

Dr. Peter K. Rogan Lab, Western University
No classification provided (evidence only). Condition: Sarcoma. Review status: no classification provided. Collection method: in vitro. Allele origin: not applicable. Functional consequence: retained intron. Not counted in ClinVar's aggregate classification.

Dr. Peter K. Rogan Lab, Western University
No classification provided (evidence only). Condition: Sarcoma. Review status: no classification provided. Collection method: in vitro. Allele origin: not applicable. Functional consequence: retained intron. Not counted in ClinVar's aggregate classification.

Dr. Peter K. Rogan Lab, Western University
No classification provided (evidence only). Condition: Sarcoma. Review status: no classification provided. Collection method: in vitro. Allele origin: not applicable. Functional consequence: retained intron. Not counted in ClinVar's aggregate classification.

Dr. Peter K. Rogan Lab, Western University
No classification provided (evidence only). Condition: Hepatocellular carcinoma. Review status: no classification provided. Collection method: in vitro. Allele origin: not applicable. Functional consequence: retained intron. Not counted in ClinVar's aggregate classification.

Dr. Peter K. Rogan Lab, Western University
No classification provided (evidence only). Condition: Hepatocellular carcinoma. Review status: no classification provided. Collection method: in vitro. Allele origin: not applicable. Functional consequence: retained intron. Not counted in ClinVar's aggregate classification.

Dr. Peter K. Rogan Lab, Western University
No classification provided (evidence only). Condition: Nonpapillary renal cell carcinoma. Review status: no classification provided. Collection method: in vitro. Allele origin: not applicable. Functional consequence: retained intron. Not counted in ClinVar's aggregate classification.

Dr. Peter K. Rogan Lab, Western University
No classification provided (evidence only). Condition: Thymoma. Review status: no classification provided. Collection method: in vitro. Allele origin: not applicable. Functional consequence: retained intron. Not counted in ClinVar's aggregate classification.

Dr. Peter K. Rogan Lab, Western University
No classification provided (evidence only). Condition: Thymoma. Review status: no classification provided. Collection method: in vitro. Allele origin: not applicable. Functional consequence: retained intron. Not counted in ClinVar's aggregate classification.

Dr. Peter K. Rogan Lab, Western University
No classification provided (evidence only). Condition: Thymoma. Review status: no classification provided. Collection method: in vitro. Allele origin: not applicable. Functional consequence: retained intron. Not counted in ClinVar's aggregate classification.

Dr. Peter K. Rogan Lab, Western University
No classification provided (evidence only). Condition: Ovarian serous cystadenocarcinoma. Review status: no classification provided. Collection method: in vitro. Allele origin: not applicable. Functional consequence: retained intron. Not counted in ClinVar's aggregate classification.

Dr. Peter K. Rogan Lab, Western University
No classification provided (evidence only). Condition: Ovarian serous cystadenocarcinoma. Review status: no classification provided. Collection method: in vitro. Allele origin: not applicable. Functional consequence: retained intron. Not counted in ClinVar's aggregate classification.

Dr. Peter K. Rogan Lab, Western University
No classification provided (evidence only). Condition: Ovarian serous cystadenocarcinoma. Review status: no classification provided. Collection method: in vitro. Allele origin: not applicable. Functional consequence: retained intron. Not counted in ClinVar's aggregate classification.

Dr. Peter K. Rogan Lab, Western University
No classification provided (evidence only). Condition: Gastric cancer. Review status: no classification provided. Collection method: in vitro. Allele origin: not applicable. Functional consequence: retained intron. Not counted in ClinVar's aggregate classification.

Dr. Peter K. Rogan Lab, Western University
No classification provided (evidence only). Condition: Gastric cancer. Review status: no classification provided. Collection method: in vitro. Allele origin: not applicable. Functional consequence: retained intron. Not counted in ClinVar's aggregate classification.

Dr. Peter K. Rogan Lab, Western University
No classification provided (evidence only). Condition: Gastric cancer. Review status: no classification provided. Collection method: in vitro. Allele origin: not applicable. Functional consequence: retained intron. Not counted in ClinVar's aggregate classification.

Dr. Peter K. Rogan Lab, Western University
No classification provided (evidence only). Condition: Malignant tumor of esophagus. Review status: no classification provided. Collection method: in vitro. Allele origin: not applicable. Functional consequence: retained intron. Not counted in ClinVar's aggregate classification.

NM_006885.4(ZFHX3):c.3345C>T (p.Ser1115=)

Gene: ZFHX3 (zinc finger homeobox 3; minus strand). Cytogenetic location: 16q22.3.
Variant type: single nucleotide variant.
Coding change: c.3345C>T on transcript NM_006885.4 (MANE Select); coding-DNA position 3345, C replaced by T.
Protein change: p.Ser1115=; no amino-acid change (serine 1115 retained).
Molecular consequence: synonymous variant.
Genome position (GRCh38, 1-based): chr16:72,889,834, G>A on the plus strand (C>T on the coding strand, the complement: ZFHX3 is on the minus strand). VCF-style: chr16-72889834-G-A. GRCh37 (hg19) VCF-style: chr16-72923733-G-A.
Other names: NC_000016.9:g.72923733G>A; c.603C>T, p.Ser201= (NM_001164766.2); c.3345C>T, p.Ser1115= (NM_001386735.1).
Identifiers: ClinVar variation 3055710 (VCV003055710.3), dbSNP rs143237537, ClinGen allele CA8164137.